The following is an entry in ClinVar:

ClinVar aggregate classification (germline): Likely benign. Review status: criteria provided, multiple submitters, no conflicts (2 of 4 stars). 3 submissions from 3 submitters: Likely benign (2). 1 of the submissions does not count toward it. Last evaluated 2026-01-19.

Conditions:
Inborn genetic diseases. Identifiers: MedGen C0950123, MeSH D030342.
Charcot-Marie-Tooth disease type 4. Also called: Charcot-Marie-Tooth, Type 4; Charcot-Marie-Tooth disease, type IV. Identifiers: Orphanet 64749, MedGen C4082197, MONDO:0018995.
FIG4-related disorder. Also called: FIG4-related disorders; FIG4-related condition.

Allele frequency attached by ClinVar (database versions not stated): gnomAD exomes 0.00005 and 0.00027; gnomAD 0.00008 and 0.00009; TOPMed 0.00008; ExAC 0.00022.
gnomAD v4.1: 82 of 1,612,208 alleles (0.0051%); highest among the groups gnomAD compares: Admixed American, 0.14%; no homozygotes.

Submissions (3):

Labcorp Genetics (formerly Invitae), Labcorp
Classification: Likely benign for Charcot-Marie-Tooth disease type 4. Last evaluated: 2026-01-19. Review status: criteria provided, single submitter. Criteria: Invitae Variant Classification Sherloc (09022015). Collection method: clinical testing. Allele origin: germline.

Ambry Genetics
Classification: Likely benign for Inborn genetic diseases. Last evaluated: 2023-03-07. Review status: criteria provided, single submitter. Criteria: Ambry Variant Classification Scheme 2023. Collection method: clinical testing. Allele origin: germline.

PreventionGenetics, part of Exact Sciences
Classification: Likely benign for FIG4-related condition. Last evaluated: 2019-10-15. Review status: no assertion criteria provided. Collection method: clinical testing. Allele origin: germline. Not counted in ClinVar's aggregate classification.
Comment: This variant is classified as likely benign based on ACMG/AMP sequence variant interpretation guidelines (Richards et al. 2015 PMID: 25741868, with internal and published modifications).

NM_014845.6(FIG4):c.717A>G (p.Lys239=)

Gene: FIG4 (FIG4 phosphoinositide 5-phosphatase; plus strand). Cytogenetic location: 6q21.
Variant type: single nucleotide variant.
Coding change: c.717A>G on transcript NM_014845.6 (MANE Select); coding-DNA position 717, A replaced by G.
Protein change: p.Lys239=; no amino-acid change (lysine 239 retained).
Molecular consequence: synonymous variant.
Genome position (GRCh38, 1-based): chr6:109,738,395, A>G. VCF-style: chr6-109738395-A-G. GRCh37 (hg19) VCF-style: chr6-110059598-A-G.
Identifiers: ClinVar variation 700846 (VCV000700846.12), dbSNP rs750904354, ClinGen allele CA3955883.